The following is an entry in ClinVar:

ClinVar aggregate classification (germline): Uncertain significance (1 of 4 stars; one submission).

Conditions:
Seizures, benign familial infantile, 3 (BFIS3). Also called: CONVULSIONS, BENIGN FAMILIAL INFANTILE, 3; Familial neonatal seizures. Identifiers: Orphanet 140927, Orphanet 306, MedGen C1843140, MONDO:0011904, OMIM 607745.
Developmental and epileptic encephalopathy, 11 (DEE11). Also called: Early infantile epileptic encephalopathy 11. Identifiers: Orphanet 1934, MedGen C3150987, MONDO:0013388, OMIM 613721.

Allele frequency attached by ClinVar (database versions not stated): gnomAD exomes below 0.00001; ExAC 0.00001.

Submission:

Labcorp Genetics (formerly Invitae), Labcorp
Classification: Uncertain significance for Seizures, benign familial infantile, 3; Developmental and epileptic encephalopathy, 11. Last evaluated: 2018-12-22. Review status: criteria provided, single submitter. Criteria: Invitae Variant Classification Sherloc (09022015). Collection method: clinical testing. Allele origin: germline.
Comment: In summary, the available evidence is currently insufficient to determine the role of this variant in disease. Therefore, it has been classified as a Variant of Uncertain Significance. Algorithms developed to predict the effect of missense changes on protein structure and function are either unavailable or do not agree on the potential impact of this missense change (SIFT: "Tolerated"; PolyPhen-2: "Probably Damaging"; Align-GVGD: "Class C0"). This variant has not been reported in the literature in individuals with SCN2A-related conditions. This variant is present in population databases (rs765670012, ExAC 0.002%). This sequence change replaces alanine with threonine at codon 444 of the SCN2A protein (p.Ala444Thr). The alanine residue is highly conserved and there is a small physicochemical difference between alanine and threonine.

NM_001040142.2(SCN2A):c.1330G>A (p.Ala444Thr)

Gene: SCN2A (sodium voltage-gated channel alpha subunit 2; plus strand). Cytogenetic location: 2q24.3.
Variant type: single nucleotide variant.
Coding change: c.1330G>A on transcript NM_001040142.2 (MANE Select); coding-DNA position 1330, G replaced by A.
Protein change: p.Ala444Thr; replaces alanine 444 with threonine.
Molecular consequence: missense variant.
Genome position (GRCh38, 1-based): chr2:165,314,055, G>A. VCF-style: chr2-165314055-G-A. GRCh37 (hg19) VCF-style: chr2-166170565-G-A.
Other names: c.1330G>A, p.Ala444Thr (NM_001040143.2, NM_001371246.1, NM_001371247.1 and 1 more transcripts); short protein forms A444T.
Identifiers: ClinVar variation 664771 (VCV000664771.9), dbSNP rs765670012, ClinGen allele CA1939789.